The following is an entry in ClinVar:

ClinVar aggregate classification (germline): Uncertain significance (1 of 4 stars; one submission).

Conditions:
Cardiovascular phenotype. Identifiers: MedGen CN230736.

Submission:

Ambry Genetics
Classification: Uncertain significance for Cardiovascular phenotype. Last evaluated: 2024-10-28. Review status: criteria provided, single submitter. Criteria: Ambry Variant Classification Scheme 2023. Collection method: clinical testing. Allele origin: germline.
Comment: The p.H582L variant (also known as c.1745A>T), located in coding exon 13 of the MYH6 gene, results from an A to T substitution at nucleotide position 1745. The histidine at codon 582 is replaced by leucine, an amino acid with similar properties. This amino acid position is conserved. In addition, this alteration is predicted to be deleterious by in silico analysis. Based on the available evidence, the clinical significance of this variant remains unclear.

NM_002471.4(MYH6):c.1745A>T (p.His582Leu)

Gene: MYH6 (myosin heavy chain 6; minus strand). Cytogenetic location: 14q11.2.
Variant type: single nucleotide variant.
Coding change: c.1745A>T on transcript NM_002471.4 (MANE Select); coding-DNA position 1745, A replaced by T.
Protein change: p.His582Leu; replaces histidine 582 with leucine.
Molecular consequence: missense variant.
Genome position (GRCh38, 1-based): chr14:23,398,874, T>A on the plus strand (A>T on the coding strand, the complement: MYH6 is on the minus strand). VCF-style: chr14-23398874-T-A. GRCh37 (hg19) VCF-style: chr14-23868083-T-A.
Other names: short protein forms H582L.
Identifiers: ClinVar variation 3400895 (VCV003400895.1).